The following is an entry in ClinVar:

NM_001267550.2(TTN):c.8608C>T (p.Gln2870Ter)

Gene: TTN (titin; minus strand). Cytogenetic location: 2q31.2.
Variant type: single nucleotide variant.
Coding change: c.8608C>T on transcript NM_001267550.2 (MANE Select); coding-DNA position 8608, C replaced by T.
Protein change: p.Gln2870Ter; replaces glutamine 2870 with a stop codon.
Molecular consequence: nonsense.
Genome position (GRCh38, 1-based): chr2:178,770,093, G>A on the plus strand (C>T on the coding strand, the complement: TTN is on the minus strand). VCF-style: chr2-178770093-G-A. GRCh37 (hg19) VCF-style: chr2-179634820-G-A.
Other names: c.8470C>T, p.Gln2824Ter (NM_003319.4, NM_133432.3, NM_133437.4); c.8608C>T, p.Gln2870Ter (NM_133378.4, NM_001256850.1, NM_133379.5); short protein forms Q2824*, Q2870*.
Identifiers: ClinVar variation 4531800 (VCV004531800.1).

ClinVar aggregate classification (germline): Likely pathogenic (1 of 4 stars; one submission).

Conditions:
Dilated cardiomyopathy 1G (CMD1G). Identifiers: Orphanet 154, MedGen C1858763, MONDO:0011400, OMIM 604145.

Submission:

Victorian Clinical Genetics Services, Murdoch Childrens Research Institute
Classification: Likely pathogenic for Dilated cardiomyopathy 1G. Last evaluated: 2025-09-01. Review status: criteria provided, single submitter. Criteria: ACMG Guidelines, 2015. Collection method: clinical testing. Allele origin: germline. Affected: yes.
Comment: This variant is classified as Likely pathogenic. Evidence in support of pathogenic classification: Variant is predicted to cause nonsense-mediated decay (NMD) and loss of protein (premature termination codon is located at least 54 nucleotides upstream of the final exon-exon junction); Variant is present in gnomAD <0.01 (v2: 1 heterozygote(s), 0 homozygote(s)); Other NMD-predicted variants comparable to the one identified in this case have strong previous evidence for pathogenicity (ClinVar). Additional information: This variant is heterozygous; This gene is associated with both recessive and dominant disease (OMIM); This variant has no previous evidence of pathogenicity; No published evidence of segregation with disease has been identified for this variant; No published functional evidence has been identified for this variant; Variant is located in the annotated I-band domain and the exon has a PSI score of 100% (PMID: 25589632); Loss of function is a known mechanism of disease in this gene. In addition, dominant negative is also a suggested mechanism. (PMID: 25589632); The condition associated with this gene has incomplete penetrance. Variants in this gene that result in a premature termination codon (PTC) are known to have reduced penetrance in DCM (PMID: 25589632); Inheritance information for this variant is not currently available in this individual.

Literature cited by the submitters: PubMed 25589632.